The following is an entry in ClinVar:

ClinVar aggregate classification (germline): Conflicting classifications of pathogenicity. Review status: criteria provided, conflicting classifications (1 of 4 stars). 5 submissions from 5 submitters: Uncertain significance (2); Likely benign (2). 1 of the submissions does not count toward it. Last evaluated 2026-01-08.

Conditions:
Cardiovascular phenotype. Identifiers: MedGen CN230736.
Alstrom syndrome (ALMS). Identifiers: Orphanet 64, MedGen C0268425, MONDO:0008763, OMIM 203800.

Allele frequency attached by ClinVar (database versions not stated): gnomAD exomes below 0.00001 and 0.00001; gnomAD 0.00001 and 0.00002; ExAC 0.00002; TOPMed 0.00002; 1000 Genomes Project 30x 0.00016; 1000 Genomes Project 0.00020.
gnomAD v4.1: 9 of 1,605,040 alleles (0.00056%); highest among the groups gnomAD compares: South Asian, 0.0044%; no homozygotes.

Submissions (5):

Labcorp Genetics (formerly Invitae), Labcorp
Classification: Likely benign for Alstrom syndrome. Last evaluated: 2026-01-08. Review status: criteria provided, single submitter. Criteria: Invitae Variant Classification Sherloc (09022015). Collection method: clinical testing. Allele origin: germline.

Ambry Genetics
Classification: Likely benign for Cardiovascular phenotype. Last evaluated: 2022-03-07. Review status: criteria provided, single submitter. Criteria: Ambry Variant Classification Scheme 2023. Collection method: clinical testing. Allele origin: germline.

Fulgent Genetics
Classification: Uncertain significance for Alstrom syndrome. Last evaluated: 2021-09-16. Review status: criteria provided, single submitter. Criteria: ACMG Guidelines, 2015. Collection method: clinical testing. Allele origin: unknown.

GeneDx
Classification: Uncertain significance. Last evaluated: 2017-04-21. Review status: criteria provided, single submitter. Criteria: GeneDx Variant Classification (06012015). Collection method: clinical testing. Allele origin: germline. Affected: yes.
Comment: A variant of uncertain significance has been identified in the ALMS1 gene. The c.2187 A>G variant has not been published as pathogenic or been reported as benign to our knowledge. This variant is not observed at a significant frequency in large population cohorts (Lek et al., 2016; 1000 Genomes Consortium et al., 2015; Exome Variant Server). This nucleotide substitution does not change the encoded amino acid and the nucleotide is not conserved across species. Finally, in silico splice algorithms are not informative and in the absence of functional mRNA studies, the physiological consequence of this variant cannot be precisely determined.

Natera, Inc.
Classification: Uncertain significance for Alstrom syndrome. Last evaluated: 2021-09-21. Review status: no assertion criteria provided. Collection method: clinical testing. Allele origin: germline. Not counted in ClinVar's aggregate classification.

NM_001378454.1(ALMS1):c.2184A>G (p.Gln728=)

Gene: ALMS1 (ALMS1 centrosome and basal body associated protein; plus strand). Cytogenetic location: 2p13.1.
Variant type: single nucleotide variant.
Coding change: c.2184A>G on transcript NM_001378454.1 (MANE Select); coding-DNA position 2184, A replaced by G.
Protein change: p.Gln728=; no amino-acid change (glutamine 728 retained).
Molecular consequence: synonymous variant.
Genome position (GRCh38, 1-based): chr2:73,448,711, A>G. VCF-style: chr2-73448711-A-G. GRCh37 (hg19) VCF-style: chr2-73675838-A-G.
Other names: c.2187A>G, p.Gln729= (NM_015120.4).
Identifiers: ClinVar variation 426281 (VCV000426281.12), dbSNP rs572605877, ClinGen allele CA1713297.